The following is an entry in ClinVar:

NM_001267550.2(TTN):c.107338C>T (p.Arg35780Cys)

Genes: TTN (titin; minus strand), TTN-AS1 (TTN antisense RNA 1; plus strand). Cytogenetic location: 2q31.2.
Variant type: single nucleotide variant.
Coding change: c.107338C>T on transcript NM_001267550.2 (MANE Select); coding-DNA position 107338, C replaced by T.
Protein change: p.Arg35780Cys; replaces arginine 35780 with cysteine.
Molecular consequence: missense variant.
Genome position (GRCh38, 1-based): chr2:178,528,313, G>A on the plus strand (C>T on the coding strand, the complement: TTN is on the minus strand). VCF-style: chr2-178528313-G-A. GRCh37 (hg19) VCF-style: chr2-179393040-G-A.
Other names: c.102415C>T, p.Arg34139Cys (NM_001256850.1); c.80143C>T, p.Arg26715Cys (NM_003319.4); c.99634C>T, p.Arg33212Cys (NM_133378.4); c.80518C>T, p.Arg26840Cys (NM_133432.3); c.80719C>T, p.Arg26907Cys (NM_133437.4); short protein forms R26715C, R26840C, R26907C, R33212C, R34139C, R35780C.
Identifiers: ClinVar variation 1205908 (VCV001205908.6), dbSNP rs1687436055, ClinGen allele CA349401288.

ClinVar aggregate classification (germline): Uncertain significance. Review status: criteria provided, multiple submitters, no conflicts (2 of 4 stars). 4 submissions from 4 submitters: Uncertain significance (2). 2 of the submissions do not count toward it. Last evaluated 2025-05-23.

Conditions:
Dilated cardiomyopathy 1G (CMD1G). Identifiers: Orphanet 154, MedGen C1858763, MONDO:0011400, OMIM 604145.
Autosomal recessive limb-girdle muscular dystrophy type 2J (LGMDR10). Also called: Limb-girdle muscular dystrophy, type 2J; MUSCULAR DYSTROPHY, LIMB-GIRDLE, AUTOSOMAL RECESSIVE 10. Identifiers: Orphanet 140922, MedGen C1837342, MONDO:0012127, OMIM 608807.

Allele frequency attached by ClinVar (database versions not stated): TOPMed below 0.00001; gnomAD 0.00001; gnomAD exomes 0.00001.
gnomAD v4.1: 9 of 1,613,756 alleles (0.00056%); highest among the groups gnomAD compares: Non-Finnish European, 0.00034%; no homozygotes.

Submissions (4):

Revvity Omics, Revvity
Classification: Uncertain significance. Last evaluated: 2025-05-23. Review status: criteria provided, single submitter. Criteria: ACMG Guidelines, 2015. Collection method: clinical testing. Allele origin: germline.

Labcorp Genetics (formerly Invitae), Labcorp
Classification: Uncertain significance for Dilated cardiomyopathy 1G; Autosomal recessive limb-girdle muscular dystrophy type 2J. Last evaluated: 2024-06-15. Review status: criteria provided, single submitter. Criteria: Invitae Variant Classification Sherloc (09022015). Collection method: clinical testing. Allele origin: germline.
Comment: This sequence change replaces arginine, which is basic and polar, with cysteine, which is neutral and slightly polar, at codon 35780 of the TTN protein (p.Arg35780Cys). This variant is not present in population databases (gnomAD no frequency). This variant has not been reported in the literature in individuals affected with TTN-related conditions. ClinVar contains an entry for this variant (Variation ID: 1205908). Experimental studies and prediction algorithms are not available or were not evaluated, and the functional significance of this variant is currently unknown. This variant is located in the M band of TTN (PMID: 25589632). Non-truncating variants in this region may be relevant for neuromuscular disorders, but have not been definitively shown to cause cardiomyopathy (PMID: 23975875). In summary, the available evidence is currently insufficient to determine the role of this variant in disease. Therefore, it has been classified as a Variant of Uncertain Significance.

Clinical Genetics, Academic Medical Center
Classification: Uncertain significance. Review status: no assertion criteria provided. Collection method: clinical testing. Allele origin: germline. Affected: yes. Study: VKGL Data-share Consensus. Not counted in ClinVar's aggregate classification.

Laboratory of Diagnostic Genome Analysis, Leiden University Medical Center (LUMC)
Classification: Uncertain significance. Review status: no assertion criteria provided. Collection method: clinical testing. Allele origin: germline. Affected: yes. Study: VKGL Data-share Consensus. Not counted in ClinVar's aggregate classification.

Literature cited by the submitters: PubMed 25589632 (cited by Labcorp Genetics (formerly Invitae), Labcorp); PubMed 23975875 (cited by Labcorp Genetics (formerly Invitae), Labcorp).